The following is an entry in ClinVar:

ClinVar aggregate classification (germline): Uncertain significance (1 of 4 stars; one submission).

Conditions:
Inborn genetic diseases. Identifiers: MedGen C0950123, MeSH D030342.

Submission:

Ambry Genetics
Classification: Uncertain significance for Inborn genetic diseases. Last evaluated: 2025-11-20. Review status: criteria provided, single submitter. Criteria: Ambry Variant Classification Scheme 2023. Collection method: clinical testing. Allele origin: germline.
Comment: The p.N240K variant (also known as c.720C>G), located in coding exon 5 of the ELANE gene, results from a C to G substitution at nucleotide position 720. The asparagine at codon 240 is replaced by lysine, an amino acid with similar properties. This amino acid position is conserved. In addition, this alteration is predicted to be tolerated by in silico analysis. Based on the available evidence, the clinical significance of this variant remains unclear.

NM_001972.4(ELANE):c.720C>G (p.Asn240Lys)

Gene: ELANE (elastase, neutrophil expressed; plus strand). Cytogenetic location: 19p13.3.
Variant type: single nucleotide variant.
Coding change: c.720C>G on transcript NM_001972.4 (MANE Select); coding-DNA position 720, C replaced by G.
Protein change: p.Asn240Lys; replaces asparagine 240 with lysine.
Molecular consequence: missense variant.
Genome position (GRCh38, 1-based): chr19:856,080, C>G. VCF-style: chr19-856080-C-G. GRCh37 (hg19) VCF-style: chr19-856080-C-G.
Other names: short protein forms N240K.
Identifiers: ClinVar variation 4618423 (VCV004618423.1).